The following is an entry in ClinVar:

NM_017654.4(SAMD9):c.4526A>G (p.Asn1509Ser)

Gene: SAMD9 (sterile alpha motif domain containing 9; minus strand). Cytogenetic location: 7q21.2.
Variant type: single nucleotide variant.
Coding change: c.4526A>G on transcript NM_017654.4 (MANE Select); coding-DNA position 4526, A replaced by G.
Protein change: p.Asn1509Ser; replaces asparagine 1509 with serine.
Molecular consequence: missense variant.
Genome position (GRCh38, 1-based): chr7:93,101,572, T>C on the plus strand (A>G on the coding strand, the complement: SAMD9 is on the minus strand). VCF-style: chr7-93101572-T-C. GRCh37 (hg19) VCF-style: chr7-92730885-T-C.
Other names: c.4526A>G, p.Asn1509Ser (NM_001193307.2); short protein forms N1509S.
Identifiers: ClinVar variation 2575227 (VCV002575227.2), dbSNP rs2535353152, ClinGen allele CA368178201.

ClinVar aggregate classification (germline): Uncertain significance (1 of 4 stars; one submission).

Conditions:
Monosomy 7 myelodysplasia and leukemia syndrome 2. Identifiers: MedGen C5436668, MONDO:0030801, OMIM 619041.

Submission:

Johns Hopkins Genomics, Johns Hopkins University
Classification: Uncertain significance for Monosomy 7 myelodysplasia and leukemia syndrome 2. Last evaluated: 2023-06-22. Review status: criteria provided, single submitter. Criteria: ACMG Guidelines, 2015. Collection method: clinical testing. Allele origin: germline.
Comment: This SAMD9 missense variant is absent from a large population dataset and has not been reported in ClinVar2nor the literature, to our knowledge. Two bioinformatic tools queried predict that this substitution would be tolerated, but these algorithms have low specificity, particularly for predicting gain of function variants. The asparagine residue at this position is evolutionarily conserved across many of the species assessed; however serine is present at this position in six species. Due to insufficient evidence that this variant is deleterious, we consider the clinical significance of SAMD9 c.4526A>G to be uncertain at this time.